The following is an entry in ClinVar:

NM_002472.3(MYH8):c.5140G>A (p.Glu1714Lys)

Genes: MYH8 (myosin heavy chain 8; minus strand), MYHAS (myosin heavy chain gene cluster antisense RNA; plus strand). Cytogenetic location: 17p13.1.
Variant type: single nucleotide variant.
Coding change: c.5140G>A on transcript NM_002472.3 (MANE Select); coding-DNA position 5140, G replaced by A.
Protein change: p.Glu1714Lys; replaces glutamic acid 1714 with lysine.
Molecular consequence: missense variant.
Genome position (GRCh38, 1-based): chr17:10,394,275, C>T on the plus strand (G>A on the coding strand, the complement: MYH8 is on the minus strand). VCF-style: chr17-10394275-C-T. GRCh37 (hg19) VCF-style: chr17-10297592-C-T.
Other names: short protein forms E1714K.
Identifiers: ClinVar variation 2497978 (VCV002497978.2), dbSNP rs553069572, ClinGen allele CA287720230.

ClinVar aggregate classification (germline): Uncertain significance. Review status: criteria provided, multiple submitters, no conflicts (2 of 4 stars). 2 submissions from 2 submitters: Uncertain significance (2). Last evaluated 2024-10-20.

Allele frequency attached by ClinVar (database versions not stated): gnomAD exomes 0.00001; gnomAD 0.00003; TOPMed 0.00005.
gnomAD v4.1: 30 of 1,613,844 alleles (0.0019%); highest among the groups gnomAD compares: Admixed American, 0.0033%; no homozygotes.

Submissions (2):

Ambry Genetics
Classification: Uncertain significance. Last evaluated: 2024-10-20. Review status: criteria provided, single submitter. Criteria: Ambry Variant Classification Scheme 2023. Collection method: clinical testing. Allele origin: germline.

GeneDx
Classification: Uncertain significance. Last evaluated: 2022-10-07. Review status: criteria provided, single submitter. Criteria: GeneDx Variant Classification Process June 2021. Collection method: clinical testing. Allele origin: germline. Affected: yes.
Comment: Not observed at significant frequency in large population cohorts (gnomAD); In silico analysis supports that this missense variant has a deleterious effect on protein structure/function; Has not been previously published as pathogenic or benign to our knowledge